The following is an entry in ClinVar:

ClinVar aggregate classification (germline): Uncertain significance (1 of 4 stars; one submission).

Submission:

GeneDx
Classification: Uncertain significance. Last evaluated: 2023-12-13. Review status: criteria provided, single submitter. Criteria: GeneDx Variant Classification Process June 2021. Collection method: clinical testing. Allele origin: germline. Affected: yes.
Comment: Has not been previously published as pathogenic or benign to our knowledge; Not observed at significant frequency in large population cohorts (gnomAD); In silico analysis supports that this missense variant has a deleterious effect on protein structure/function

NM_003128.3(SPTBN1):c.1060C>T (p.Pro354Ser)

Gene: SPTBN1 (spectrin beta, non-erythrocytic 1; plus strand). Cytogenetic location: 2p16.2.
Variant type: single nucleotide variant.
Coding change: c.1060C>T on transcript NM_003128.3 (MANE Select); coding-DNA position 1060, C replaced by T.
Protein change: p.Pro354Ser; replaces proline 354 with serine.
Molecular consequence: missense variant.
Genome position (GRCh38, 1-based): chr2:54,622,483, C>T. VCF-style: chr2-54622483-C-T. GRCh37 (hg19) VCF-style: chr2-54849620-C-T.
Other names: c.1021C>T, p.Pro341Ser (NM_178313.3); short protein forms P341S, P354S.
Identifiers: ClinVar variation 3365619 (VCV003365619.1).